The following is an entry in ClinVar:

ClinVar aggregate classification (germline): Uncertain significance (1 of 4 stars; one submission).

Allele frequency attached by ClinVar (database versions not stated): gnomAD exomes below 0.00001; TOPMed below 0.00001; ExAC 0.00001.
gnomAD v4.1: 1 of 1,613,824 alleles (0.000062%); highest among the groups gnomAD compares: Non-Finnish European, 0.000085%; no homozygotes.

Submission:

Labcorp Genetics (formerly Invitae), Labcorp
Classification: Uncertain significance. Last evaluated: 2023-06-16. Review status: criteria provided, single submitter. Criteria: Invitae Variant Classification Sherloc (09022015). Collection method: clinical testing. Allele origin: germline.
Comment: This sequence change replaces isoleucine, which is neutral and non-polar, with valine, which is neutral and non-polar, at codon 763 of the NPAT protein (p.Ile763Val). This variant is present in population databases (rs764386812, gnomAD 0.0009%). This variant has not been reported in the literature in individuals affected with NPAT-related conditions. An algorithm developed to predict the effect of missense changes on protein structure and function (PolyPhen-2) suggests that this variant is likely to be disruptive. In summary, the available evidence is currently insufficient to determine the role of this variant in disease. Therefore, it has been classified as a Variant of Uncertain Significance.

NM_002519.3(NPAT):c.2287A>G (p.Ile763Val)

Gene: NPAT (nuclear protein, coactivator of histone transcription; minus strand). Cytogenetic location: 11q22.3.
Variant type: single nucleotide variant.
Coding change: c.2287A>G on transcript NM_002519.3 (MANE Select); coding-DNA position 2287, A replaced by G.
Protein change: p.Ile763Val; replaces isoleucine 763 with valine.
Molecular consequence: missense variant.
Genome position (GRCh38, 1-based): chr11:108,172,697, T>C on the plus strand (A>G on the coding strand, the complement: NPAT is on the minus strand). VCF-style: chr11-108172697-T-C. GRCh37 (hg19) VCF-style: chr11-108043424-T-C.
Other names: c.2287A>G, p.Ile763Val (NM_001321307.1); short protein forms I763V.
Identifiers: ClinVar variation 2717674 (VCV002717674.3), dbSNP rs764386812, ClinGen allele CA6263841.